The following is an entry in ClinVar:

NM_001204.7(BMPR2):c.2656C>A (p.Arg886Ser)

Gene: BMPR2 (bone morphogenetic protein receptor type 2; plus strand). Cytogenetic location: 2q33.2.
Variant type: single nucleotide variant.
Coding change: c.2656C>A on transcript NM_001204.7 (MANE Select); coding-DNA position 2656, C replaced by A.
Protein change: p.Arg886Ser; replaces arginine 886 with serine.
Molecular consequence: missense variant.
Genome position (GRCh38, 1-based): chr2:202,556,321, C>A. VCF-style: chr2-202556321-C-A. GRCh37 (hg19) VCF-style: chr2-203421044-C-A.
Other names: short protein forms R886S.
Identifiers: ClinVar variation 3992072 (VCV003992072.1).

ClinVar aggregate classification (germline): Uncertain significance (1 of 4 stars; one submission).

Conditions:
Inborn genetic diseases. Identifiers: MedGen C0950123, MeSH D030342.

Submission:

Ambry Genetics
Classification: Uncertain significance for Inborn genetic diseases. Last evaluated: 2025-03-28. Review status: criteria provided, single submitter. Criteria: Ambry Variant Classification Scheme 2023. Collection method: clinical testing. Allele origin: germline.
Comment: The p.R886S variant (also known as c.2656C>A), located in coding exon 12 of the BMPR2 gene, results from a C to A substitution at nucleotide position 2656. The arginine at codon 886 is replaced by serine, an amino acid with dissimilar properties. This amino acid position is conserved. In addition, this alteration is predicted to be deleterious by in silico analysis. Based on the available evidence, the clinical significance of this variant remains unclear.